The following is an entry in ClinVar:

ClinVar aggregate classification (germline): Conflicting classifications of pathogenicity. Review status: criteria provided, conflicting classifications (1 of 4 stars). 2 submissions from 2 submitters: Likely pathogenic (1); Uncertain significance (1). Last evaluated 2025-06-12.

Conditions:
COL4A3-related disorder. Also called: COL4A3-Related Disorders; COL4A3-related condition.

Submissions (2):

Labcorp Genetics (formerly Invitae), Labcorp
Classification: Uncertain significance. Last evaluated: 2025-06-12. Review status: criteria provided, single submitter. Criteria: Invitae Variant Classification Sherloc (09022015). Collection method: clinical testing. Allele origin: germline.
Comment: This sequence change replaces glycine, which is neutral and non-polar, with valine, which is neutral and non-polar, at codon 1219 of the COL4A3 protein (p.Gly1219Val). The frequency data for this variant in the population databases is considered unreliable, as metrics indicate poor data quality at this position in the gnomAD database. This variant has not been reported in the literature in individuals affected with COL4A3-related conditions. ClinVar contains an entry for this variant (Variation ID: 1967754). Invitae Evidence Modeling of protein sequence and biophysical properties (such as structural, functional, and spatial information, amino acid conservation, physicochemical variation, residue mobility, and thermodynamic stability) indicates that this missense variant is expected to disrupt COL4A3 protein function with a positive predictive value of 80%. This variant disrupts the p.Gly1219 amino acid residue in COL4A3. Other variant(s) that disrupt this residue have been determined to be pathogenic (PMID: 15086897, 35090027). This suggests that this residue is clinically significant, and that variants that disrupt this residue are likely to be disease-causing. In summary, the available evidence is currently insufficient to determine the role of this variant in disease. Therefore, it has been classified as a Variant of Uncertain Significance.

Blueprint Genetics
Classification: Likely pathogenic for COL4A3-related disorders. Last evaluated: 2018-05-08. Review status: criteria provided, single submitter. Criteria: ACMG Guidelines, 2015. Collection method: clinical testing. Allele origin: germline. Affected: yes. Observed: 1 variant allele.

Literature cited by the submitters: PubMed 15086897 (cited by Labcorp Genetics (formerly Invitae), Labcorp); PubMed 35090027 (cited by Labcorp Genetics (formerly Invitae), Labcorp).

NM_000091.5(COL4A3):c.3656G>T (p.Gly1219Val)

Genes: COL4A3 (collagen type IV alpha 3 chain; plus strand), MFF-DT (MFF divergent transcript; minus strand). Cytogenetic location: 2q36.3.
Variant type: single nucleotide variant.
Coding change: c.3656G>T on transcript NM_000091.5 (MANE Select); coding-DNA position 3656, G replaced by T.
Protein change: p.Gly1219Val; replaces glycine 1219 with valine.
Molecular consequence: missense variant.
Genome position (GRCh38, 1-based): chr2:227,297,764, G>T. VCF-style: chr2-227297764-G-T. GRCh37 (hg19) VCF-style: chr2-228162480-G-T.
Other names: short protein forms G1219V.
Identifiers: ClinVar variation 1967754 (VCV001967754.6), dbSNP rs1377308421, ClinGen allele CA350860149.
Genomic context (GRCh38, chr2:227,297,764, plus strand): 5'-TTCCTGGCCTCCCGGGCAGAAAAGGGGCCATGGGAGATGCTGGACCTCGAGGACCCACAG[G>T]CATAGAAGGATTCCCAGGGCCACCAGGTCTGCCCGGTGCAATTATCCCTGGCCAGACAGG-3'
Protein context (NP_000082.2, residues 1209-1229): MGDAGPRGPT[Gly1219Val]IEGFPGPPGL